The following is an entry in ClinVar:

NM_020533.3(MCOLN1):c.1627C>T (p.Gln543Ter)

Gene: MCOLN1 (mucolipin TRP cation channel 1; plus strand). Cytogenetic location: 19p13.2.
Variant type: single nucleotide variant.
Coding change: c.1627C>T on transcript NM_020533.3 (MANE Select); coding-DNA position 1627, C replaced by T.
Protein change: p.Gln543Ter; replaces glutamine 543 with a stop codon.
Molecular consequence: nonsense.
Genome position (GRCh38, 1-based): chr19:7,533,574, C>T. VCF-style: chr19-7533574-C-T. GRCh37 (hg19) VCF-style: chr19-7598460-C-T.
Other names: c.1627C>T (NM_020533.2); short protein forms Q543*.
Identifiers: ClinVar variation 1454517 (VCV001454517.8), dbSNP rs1368027694, ClinGen allele CA403091515.

ClinVar aggregate classification (germline): Pathogenic/Likely pathogenic. Review status: criteria provided, multiple submitters, no conflicts (2 of 4 stars). 3 submissions from 3 submitters: Pathogenic (1); Likely pathogenic (2). Last evaluated 2025-02-27.

Conditions:
Mucolipidosis type IV (ML4). Also called: ML IV. Identifiers: Orphanet 578, MedGen C0238286, MONDO:0009653, OMIM 252650.
Lisch epithelial corneal dystrophy (LECD). Also called: BAND-SHAPED AND WHORLED MICROCYSTIC CORNEAL EPITHELIAL DYSTROPHY. Identifiers: Orphanet 98955, MedGen C2749050, MONDO:0010425, OMIM 620763.

Submissions (3):

Natera, Inc.
Classification: Likely pathogenic for Mucolipidosis type IV. Last evaluated: 2025-02-27. Review status: criteria provided, single submitter. Criteria: Natera Variant Classification Schema (03/2026). Collection method: clinical testing. Allele origin: germline.
Comment: The c.1627C>T variant in MCOLN1 is a nonsense variant predicted to introduce a stop codon at amino acid 543. This variant is expected to result in nonsense mediated decay, truncation, or a dysfunctional protein product. This variant is rare in the general population with a frequency below the threshold expected for the associated phenotype(s). Given the available evidence, this variant is classified as Likely Pathogenic.

Labcorp Genetics (formerly Invitae), Labcorp
Classification: Pathogenic for Mucolipidosis type IV. Last evaluated: 2024-08-14. Review status: criteria provided, single submitter. Criteria: Invitae Variant Classification Sherloc (09022015). Collection method: clinical testing. Allele origin: germline.
Comment: This sequence change creates a premature translational stop signal (p.Gln543*) in the MCOLN1 gene. It is expected to result in an absent or disrupted protein product. Loss-of-function variants in MCOLN1 are known to be pathogenic (PMID: 11030752, 11317355, 37972748). This variant is not present in population databases (gnomAD no frequency). This variant has not been reported in the literature in individuals affected with MCOLN1-related conditions. ClinVar contains an entry for this variant (Variation ID: 1454517). For these reasons, this variant has been classified as Pathogenic.

Fulgent Genetics
Classification: Likely pathogenic for Mucolipidosis type IV; Lisch epithelial corneal dystrophy. Last evaluated: 2024-03-07. Review status: criteria provided, single submitter. Criteria: ACMG Guidelines, 2015. Collection method: clinical testing. Allele origin: germline.

Literature cited by the submitters: PubMed 11030752 (cited by Labcorp Genetics (formerly Invitae), Labcorp); PubMed 11317355 (cited by Labcorp Genetics (formerly Invitae), Labcorp); PubMed 37972748 (cited by Labcorp Genetics (formerly Invitae), Labcorp).